The following is an entry in ClinVar:

ClinVar aggregate classification (germline): Pathogenic (1 of 4 stars; one submission).

Conditions:
Inborn genetic diseases. Identifiers: MedGen C0950123, MeSH D030342.

Submission:

Ambry Genetics
Classification: Pathogenic for Inborn genetic diseases. Last evaluated: 2020-03-03. Review status: criteria provided, single submitter. Criteria: Ambry Variant Classification Scheme 2023. Collection method: clinical testing. Allele origin: germline.
Comment: The alteration results in a premature stop codon:_x000D_ _x000D_ The c.3586C>T (p.R1196*) alteration, located in coding exon 18 of the RERE gene, results from a C to T substitution at nucleotide position 3586. This changes the amino acid from an arginine (R) to a stop codon at amino acid position 1196. This alteration is expected to result in loss of function by premature protein truncation or nonsense-mediated mRNA decay. The alteration is not observed in population databases: _x000D_ _x000D_ Based on data from the Genome Aggregation Database (gnomAD), the RERE c.3586C>T alteration was not observed, with coverage at this position. Based on the available evidence, this alteration is classified as pathogenic.

NM_001042681.2(RERE):c.3586C>T (p.Arg1196Ter)

Gene: RERE (arginine-glutamic acid dipeptide repeats; minus strand). Cytogenetic location: 1p36.23.
Variant type: single nucleotide variant.
Coding change: c.3586C>T on transcript NM_001042681.2 (MANE Select); coding-DNA position 3586, C replaced by T.
Protein change: p.Arg1196Ter; replaces arginine 1196 with a stop codon.
Molecular consequence: nonsense.
Genome position (GRCh38, 1-based): chr1:8,359,796, G>A on the plus strand (C>T on the coding strand, the complement: RERE is on the minus strand). VCF-style: chr1-8359796-G-A. GRCh37 (hg19) VCF-style: chr1-8419856-G-A.
Other names: c.1924C>T, p.Arg642Ter (NM_001042682.2); c.3586C>T, p.Arg1196Ter (NM_012102.4); short protein forms R1196*, R642*.
Identifiers: ClinVar variation 985303 (VCV000985303.4), dbSNP rs1641481122, ClinGen allele CA338170263.
Genomic context (GRCh38, chr1:8,359,796, plus strand): 5'-CGTCACACCTCGCCAACCCTGGACTCACAGCCGCCCGCTCTGCCTCGCGCTCCCGCTCTC[G>A]CTCCCGCTCCCGCTCCTTCTCCTTCTCCTTCTCCCGCTCTCGCTCCTCTCGGGCTTTCTG-3'